The following is an entry in ClinVar:

NM_080759.6(DACH1):c.477T>C (p.Ser159=)

Gene: DACH1 (dachshund family transcription factor 1; minus strand). Cytogenetic location: 13q21.33.
Variant type: single nucleotide variant.
Coding change: c.477T>C on transcript NM_080759.6 (MANE Select); coding-DNA position 477, T replaced by C.
Protein change: p.Ser159=; no amino-acid change (serine 159 retained).
Molecular consequence: synonymous variant.
Genome position (GRCh38, 1-based): chr13:71,866,293, A>G on the plus strand (T>C on the coding strand, the complement: DACH1 is on the minus strand). VCF-style: chr13-71866293-A-G. GRCh37 (hg19) VCF-style: chr13-72440425-A-G.
Other names: c.477T>C, p.Ser159= (NM_001366712.1, NM_004392.7, NM_080760.6).
Identifiers: ClinVar variation 3904850 (VCV003904850.10).

ClinVar aggregate classification (germline): Likely benign (1 of 4 stars; one submission).

gnomAD v4.1: 21 of 1,566,664 alleles (0.0013%); highest among the groups gnomAD compares: East Asian, 0.0024%; no homozygotes.

Submission:

CeGaT Center for Human Genetics Tuebingen
Classification: Likely benign. Last evaluated: 2025-06-01. Review status: criteria provided, single submitter. Criteria: CeGaT Center For Human Genetics Tuebingen Variant Classification Criteria Version 2. Collection method: clinical testing. Allele origin: germline. Affected: yes. Observed: 1 variant allele.
Comment: DACH1: BP4, BP7